The following is an entry in ClinVar:

NM_004304.5(ALK):c.1756G>T (p.Ala586Ser)

Gene: ALK (ALK receptor tyrosine kinase; minus strand). Cytogenetic location: 2p23.2.
Variant type: single nucleotide variant.
Coding change: c.1756G>T on transcript NM_004304.5 (MANE Select); coding-DNA position 1756, G replaced by T.
Protein change: p.Ala586Ser; replaces alanine 586 with serine.
Molecular consequence: missense variant.
Genome position (GRCh38, 1-based): chr2:29,296,949, C>A on the plus strand (G>T on the coding strand, the complement: ALK is on the minus strand). VCF-style: chr2-29296949-C-A. GRCh37 (hg19) VCF-style: chr2-29519815-C-A.
Other names: short protein forms A586S.
Identifiers: ClinVar variation 4827102 (VCV004827102.1).

ClinVar aggregate classification (germline): Uncertain significance (1 of 4 stars; one submission).

Conditions:
Hereditary cancer-predisposing syndrome. Also called: Neoplastic Syndromes, Hereditary; Tumor predisposition; Hereditary Cancer Syndrome; Hereditary neoplastic syndrome. Identifiers: Orphanet 140162, MedGen C0027672, MeSH D009386, MONDO:0015356.

gnomAD v4.1: 5 of 1,614,174 alleles (0.00031%); highest among the groups gnomAD compares: African/African-American, 0.004%; no homozygotes.

Submission:

Ambry Genetics
Classification: Uncertain significance for Hereditary cancer-predisposing syndrome. Last evaluated: 2026-03-01. Review status: criteria provided, single submitter. Criteria: Ambry Variant Classification Scheme 2023. Collection method: clinical testing. Allele origin: germline.
Comment: The p.A586S variant (also known as c.1756G>T), located in coding exon 9 of the ALK gene, results from a G to T substitution at nucleotide position 1756. The alanine at codon 586 is replaced by serine, an amino acid with similar properties. This amino acid position is conserved. In addition, this alteration is predicted to be tolerated by in silico analysis. Based on the available evidence, the clinical significance of this variant remains unclear.